The following is an entry in ClinVar:

ClinVar aggregate classification (germline): Uncertain significance. Review status: criteria provided, multiple submitters, no conflicts (2 of 4 stars). 2 submissions from 2 submitters: Uncertain significance (2). Last evaluated 2026-04-06.

Conditions:
Ullrich congenital muscular dystrophy 2 (UCMD2). Identifiers: Orphanet 75840, MedGen C4225314, MONDO:0014654, OMIM 616470.
Bethlem myopathy 2 (BTHLM2). Identifiers: Orphanet 536516, Orphanet 610, MedGen C4225313, MONDO:0034022, OMIM 616471.

gnomAD v4.1: 4 of 1,614,130 alleles (0.00025%); highest among the groups gnomAD compares: Non-Finnish European, 0.00034%; no homozygotes.

Submissions (2):

Women's Health and Genetics/Laboratory Corporation of America, LabCorp
Classification: Uncertain significance. Last evaluated: 2026-04-06. Review status: criteria provided, single submitter. Criteria: LabCorp Variant Classification Summary - May 2015. Collection method: clinical testing. Allele origin: germline.
Comment: Variant summary: COL12A1 c.1489T>G (p.Phe497Val) results in a non-conservative amino acid change in the encoded protein sequence. Algorithms developed to predict the effect of missense changes on protein structure and function are either unavailable or do not agree on the potential impact of this missense change. The variant was absent in 249182 control chromosomes. The available data on variant occurrences in the general population are insufficient to allow any conclusion about variant significance. To our knowledge, no occurrence of c.1489T>G in individuals affected with COL12A1-related conditions and no experimental evidence demonstrating its impact on protein function have been reported. ClinVar contains an entry for this variant (Variation ID: 1020833). Based on the evidence outlined above, the variant was classified as uncertain significance.

Labcorp Genetics (formerly Invitae), Labcorp
Classification: Uncertain significance for Bethlem myopathy 2; Ullrich congenital muscular dystrophy 2. Last evaluated: 2024-04-25. Review status: criteria provided, single submitter. Criteria: Invitae Variant Classification Sherloc (09022015). Collection method: clinical testing. Allele origin: germline.
Comment: This sequence change replaces phenylalanine, which is neutral and non-polar, with valine, which is neutral and non-polar, at codon 497 of the COL12A1 protein (p.Phe497Val). This variant is not present in population databases (gnomAD no frequency). This variant has not been reported in the literature in individuals affected with COL12A1-related conditions. ClinVar contains an entry for this variant (Variation ID: 1020833). Advanced modeling of protein sequence and biophysical properties (such as structural, functional, and spatial information, amino acid conservation, physicochemical variation, residue mobility, and thermodynamic stability) performed at Invitae indicates that this missense variant is not expected to disrupt COL12A1 protein function with a negative predictive value of 80%. In summary, the available evidence is currently insufficient to determine the role of this variant in disease. Therefore, it has been classified as a Variant of Uncertain Significance.

NM_004370.6(COL12A1):c.1489T>G (p.Phe497Val)

Gene: COL12A1 (collagen type XII alpha 1 chain; minus strand). Cytogenetic location: 6q13.
Variant type: single nucleotide variant.
Coding change: c.1489T>G on transcript NM_004370.6 (MANE Select); coding-DNA position 1489, T replaced by G.
Protein change: p.Phe497Val; replaces phenylalanine 497 with valine.
Molecular consequence: missense variant. On other transcripts: intron variant (1).
Genome position (GRCh38, 1-based): chr6:75,183,452, A>C on the plus strand (T>G on the coding strand, the complement: COL12A1 is on the minus strand). VCF-style: chr6-75183452-A-C. GRCh37 (hg19) VCF-style: chr6-75893168-A-C.
Other names: c.73+19268T>G (NM_080645.3); short protein forms F497V.
Identifiers: ClinVar variation 1020833 (VCV001020833.10), dbSNP rs1769434215, ClinGen allele CA364769987.
Genomic context (GRCh38, chr6:75,183,452, plus strand): 5'-TAGATCCTCCTCTGTAAGGGAAGGTGTTTATTGCTTCAATTATATCTTCAACTTTGGTGA[A>C]TTTTTTCAAAGTGAACTCAGTATGAGGATCCCGGCTGTATTGCACAAGACTAATCTGGAC-3'
Protein context (NP_004361.3, residues 487-507): DPHTEFTLKK[Phe497Val]TKVEDIIEAI